The following is an entry in ClinVar:

NM_015160.3(PMPCA):c.485C>T (p.Thr162Met)

Gene: PMPCA (peptidase, mitochondrial processing subunit alpha; plus strand). Cytogenetic location: 9q34.3.
Variant type: single nucleotide variant.
Coding change: c.485C>T on transcript NM_015160.3 (MANE Select); coding-DNA position 485, C replaced by T.
Protein change: p.Thr162Met; replaces threonine 162 with methionine.
Molecular consequence: missense variant. On other transcripts: intron variant (1).
Genome position (GRCh38, 1-based): chr9:136,414,600, C>T. VCF-style: chr9-136414600-C-T. GRCh37 (hg19) VCF-style: chr9-139309052-C-T.
Other names: c.185C>T, p.Thr62Met (NM_001282946.2); c.140-1691C>T (NM_001282944.2); short protein forms T62M, T162M.
Identifiers: ClinVar variation 1027947 (VCV001027947.2), dbSNP rs192764146, ClinGen allele CA5336006.

ClinVar aggregate classification (germline): Uncertain significance. Review status: criteria provided, multiple submitters, no conflicts (2 of 4 stars). 2 submissions from 2 submitters: Uncertain significance (2). Last evaluated 2024-03-12.

Conditions:
Inborn genetic diseases. Identifiers: MedGen C0950123, MeSH D030342.
Autosomal recessive spinocerebellar ataxia 2. Also called: CEREBELLAR GRANULAR CELL HYPOPLASIA AND MENTAL RETARDATION, CONGENITAL; CEREBELLAR HYPOPLASIA, NONPROGRESSIVE NORMAN TYPE; CEREBELLOPARENCHYMAL DISORDER III; CPD III. Identifiers: Orphanet 1170, MedGen C1859298, MONDO:0008943, OMIM 213200.

Allele frequency attached by ClinVar (database versions not stated): gnomAD 0.00001 and 0.00002; gnomAD exomes 0.00001 and 0.00004; TOPMed 0.00002; 1000 Genomes Project 0.00020; 1000 Genomes Project 30x 0.00031.
gnomAD v4.1: 14 of 1,613,576 alleles (0.00087%); highest among the groups gnomAD compares: Admixed American, 0.013%; no homozygotes.

Submissions (2):

Ambry Genetics
Classification: Uncertain significance for Inborn genetic diseases. Last evaluated: 2024-03-12. Review status: criteria provided, single submitter. Criteria: Ambry Variant Classification Scheme 2023. Collection method: clinical testing. Allele origin: germline.

Baylor Genetics
Classification: Uncertain significance for Autosomal recessive spinocerebellar ataxia 2. Last evaluated: 2019-06-19. Review status: criteria provided, single submitter. Criteria: ACMG Guidelines, 2015. Collection method: clinical testing. Allele origin: unknown. Affected: yes.
Comment: This variant was determined to be of uncertain significance according to ACMG Guidelines, 2015 [PMID:25741868].